The following is an entry in ClinVar:

ClinVar aggregate classification (germline): Likely benign (1 of 4 stars; one submission).

Allele frequency attached by ClinVar (database versions not stated): gnomAD 0.00497 and 0.00456; 1000 Genomes Project 30x 0.00500; TOPMed 0.00527; 1000 Genomes Project 0.00439.
gnomAD v4.1: 687 of 152,310 alleles (0.45%); highest among the groups gnomAD compares: African/African-American, 1.6%; 4 homozygotes.

Submissions (2):

GeneDx
Classification: Likely benign. Last evaluated: 2018-06-14. Review status: criteria provided, single submitter. Criteria: GeneDx Variant Classification (06012015). Collection method: clinical testing. Allele origin: germline. Affected: yes.
Comment: This variant is considered likely benign or benign based on one or more of the following criteria: it is a conservative change, it occurs at a poorly conserved position in the protein, it is predicted to be benign by multiple in silico algorithms, and/or has population frequency not consistent with disease.

Dr. Peter K. Rogan Lab, Western University
No classification provided (evidence only). Condition: Uterine corpus endometrial carcinoma. Review status: no classification provided. Collection method: in vitro. Allele origin: not applicable. Functional consequence: retained intron. Not counted in ClinVar's aggregate classification.

NM_000090.4(COL3A1):c.952-218A>T

Gene: COL3A1 (collagen type III alpha 1 chain; plus strand). Cytogenetic location: 2q32.2.
Variant type: single nucleotide variant.
Coding change: c.952-218A>T on transcript NM_000090.4 (MANE Select); 218 bases into the intron before coding-DNA position 952, A replaced by T.
Molecular consequence: intron variant.
Genome position (GRCh38, 1-based): chr2:188,991,966, A>T. VCF-style: chr2-188991966-A-T. GRCh37 (hg19) VCF-style: chr2-189856692-A-T.
Other names: NC_000002.11:g.189856692A>T.
Identifiers: ClinVar variation 675647 (VCV000675647.2), dbSNP rs149897616, ClinGen allele CA62593268.